The following is an entry in ClinVar:

NM_005477.3(HCN4):c.2775del (p.Leu926fs)

Gene: HCN4 (hyperpolarization activated cyclic nucleotide gated potassium channel 4; minus strand). Cytogenetic location: 15q24.1.
Variant type: Deletion.
Coding change: c.2775del on transcript NM_005477.3 (MANE Select); coding-DNA position 2775, one base deleted (G; older notation c.2775delG).
Protein change: p.Leu926fs; shifts the reading frame from leucine 926.
Molecular consequence: frameshift variant.
Genome position (GRCh38, 1-based): chr15:73,323,318, C deleted on the plus strand (G on the coding strand, the reverse complement: HCN4 is on the minus strand). VCF-style (leftmost placement, unchanged base first): chr15-73323317-GC-G. GRCh37 (hg19) VCF-style: chr15-73615658-GC-G.
Other names: short protein forms L926fs.
Identifiers: ClinVar variation 3898010 (VCV003898010.1).

ClinVar aggregate classification (germline): Uncertain significance (1 of 4 stars; one submission).

Conditions:
Epilepsy, idiopathic generalized, susceptibility to, 18. Identifiers: MedGen C5561983, MONDO:0030434, OMIM 619521.

Submission:

Neuberg Centre For Genomic Medicine, NCGM
Classification: Uncertain significance for Epilepsy, idiopathic generalized, susceptibility to, 18. Last evaluated: 2024-02-01. Review status: criteria provided, single submitter. Criteria: ACMG Guidelines, 2015. Collection method: clinical testing. Allele origin: germline. Inheritance: Autosomal dominant inheritance.
Comment: The above variant has not been reported previously in affected individuals, to our knowledge. For these reasons, this variant has been classified as Variant of Uncertain Significance (VUS).